The following is an entry in ClinVar:

NM_005094.4(SLC27A4):c.1394del (p.Asn465fs)

Gene: SLC27A4 (solute carrier family 27 member 4; plus strand). Cytogenetic location: 9q34.11.
Variant type: Deletion.
Coding change: c.1394del on transcript NM_005094.4 (MANE Select); coding-DNA position 1394, one base deleted (A; older notation c.1394delA).
Protein change: p.Asn465fs; shifts the reading frame from asparagine 465.
Molecular consequence: frameshift variant.
Genome position (GRCh38, 1-based): chr9:128,355,122, A deleted; the last of 2 consecutive A bases (chr9:128,355,121-128,355,122); deleting either gives the same sequence. VCF-style (leftmost placement, unchanged base first): chr9-128355120-CA-C. GRCh37 (hg19) VCF-style: chr9-131117399-CA-C.
Other names: short protein forms N465fs.
Identifiers: ClinVar variation 2753014 (VCV002753014.3), dbSNP rs2539465763, ClinGen allele CA2697558053.

ClinVar aggregate classification (germline): Pathogenic (1 of 4 stars; one submission).

Submission:

Labcorp Genetics (formerly Invitae), Labcorp
Classification: Pathogenic. Last evaluated: 2023-08-16. Review status: criteria provided, single submitter. Criteria: Invitae Variant Classification Sherloc (09022015). Collection method: clinical testing. Allele origin: germline.
Comment: This sequence change creates a premature translational stop signal (p.Asn465Thrfs*28) in the SLC27A4 gene. It is expected to result in an absent or disrupted protein product. Loss-of-function variants in SLC27A4 are known to be pathogenic (PMID: 19631310, 21450060). This variant is not present in population databases (gnomAD no frequency). This variant has not been reported in the literature in individuals affected with SLC27A4-related conditions. For these reasons, this variant has been classified as Pathogenic.

Literature cited by the submitters: PubMed 19631310; PubMed 21450060.